The following is an entry in ClinVar:

NM_016816.4(OAS1):c.1152G>A (p.Gln384=)

Gene: OAS1 (2'-5'-oligoadenylate synthetase 1; plus strand). Cytogenetic location: 12q24.13.
Variant type: single nucleotide variant.
Coding change: c.1152G>A on transcript NM_016816.4 (MANE Select); coding-DNA position 1152, G replaced by A.
Protein change: p.Gln384=; no amino-acid change (glutamine 384 retained).
Molecular consequence: synonymous variant. On other transcripts: missense variant (1), intron variant (1).
Genome position (GRCh38, 1-based): chr12:112,919,502, G>A. VCF-style: chr12-112919502-G-A. GRCh37 (hg19) VCF-style: chr12-113357307-G-A.
Other names: p.Gln384=; c.1054G>A, p.Gly352Ser (NM_001032409.3); c.1038+1802G>A (NM_001320151.2); short protein forms G352S.
Identifiers: ClinVar variation 1164877 (VCV001164877.12), dbSNP rs11836381, ClinGen allele CA6800018.

ClinVar aggregate classification (germline): Benign. Review status: criteria provided, multiple submitters, no conflicts (2 of 4 stars). 4 submissions from 4 submitters: Benign (4). Last evaluated 2026-02-01.

Allele frequency attached by ClinVar (database versions not stated): gnomAD exomes 0.00096 and 0.00241; ExAC 0.00277; 1000 Genomes Project 0.00978; gnomAD 0.00981 and 0.01050; ESP Exome Variant Server 0.01015; 1000 Genomes Project 30x 0.01031; TOPMed 0.01084.
gnomAD v4.1: 2,950 of 1,614,188 alleles (0.18%); highest among the groups gnomAD compares: African/African-American, 3.5%; 52 homozygotes.

Submissions (4):

Labcorp Genetics (formerly Invitae), Labcorp
Classification: Benign. Last evaluated: 2026-02-01. Review status: criteria provided, single submitter. Criteria: Invitae Variant Classification Sherloc (09022015). Collection method: clinical testing. Allele origin: germline.

Women's Health and Genetics/Laboratory Corporation of America, LabCorp
Classification: Benign. Last evaluated: 2026-01-22. Review status: criteria provided, single submitter. Criteria: LabCorp Variant Classification Summary - May 2015. Collection method: clinical testing. Allele origin: germline.

Mayo Clinic Laboratories, Mayo Clinic
Classification: Benign. Last evaluated: 2025-03-19. Review status: criteria provided, single submitter. Criteria: ACMG Guidelines, 2015. Collection method: clinical testing. Allele origin: germline. Observed: 1 variant allele.
Comment: BS1, BS2, BP4, BP7

Breakthrough Genomics
Classification: Benign. Review status: criteria provided, single submitter. Criteria: ACMG Guidelines, 2015. Collection method: not provided. Allele origin: germline. Inheritance: Autosomal dominant inheritance. Affected: yes.